The following is an entry in ClinVar:

ClinVar aggregate classification (germline): Uncertain significance (1 of 4 stars; one submission).

Conditions:
Saldino-Mainzer syndrome (SRTD9). Also called: Renal dysplasia, retinal pigmentary dystrophy, cerebellar ataxia and skeletal dysplasia; CONORENAL SYNDROME; SHORT-RIB THORACIC DYSPLASIA 9 WITHOUT POLYDACTYLY; short-rib thoracic dysplasia 9 with or without polydactyly. Identifiers: Orphanet 140969, MedGen C1849437, MONDO:0009964, OMIM 266920.

Allele frequency attached by ClinVar (database versions not stated): gnomAD 0.00001.
gnomAD v4.1: 9 of 1,613,622 alleles (0.00056%); highest among the groups gnomAD compares: African/African-American, 0.0027%; no homozygotes.

Submission:

Labcorp Genetics (formerly Invitae), Labcorp
Classification: Uncertain significance for Saldino-Mainzer syndrome. Last evaluated: 2025-02-03. Review status: criteria provided, single submitter. Criteria: Invitae Variant Classification Sherloc (09022015). Collection method: clinical testing. Allele origin: germline.
Comment: This sequence change replaces alanine, which is neutral and non-polar, with valine, which is neutral and non-polar, at codon 563 of the IFT140 protein (p.Ala563Val). This variant is not present in population databases (gnomAD no frequency). This variant has not been reported in the literature in individuals affected with IFT140-related conditions. ClinVar contains an entry for this variant (Variation ID: 1525810). Invitae Evidence Modeling of protein sequence and biophysical properties (such as structural, functional, and spatial information, amino acid conservation, physicochemical variation, residue mobility, and thermodynamic stability) indicates that this missense variant is not expected to disrupt IFT140 protein function with a negative predictive value of 95%. In summary, the available evidence is currently insufficient to determine the role of this variant in disease. Therefore, it has been classified as a Variant of Uncertain Significance.

NM_014714.4(IFT140):c.1688C>T (p.Ala563Val)

Gene: IFT140 (intraflagellar transport 140; minus strand). Cytogenetic location: 16p13.3.
Variant type: single nucleotide variant.
Coding change: c.1688C>T on transcript NM_014714.4 (MANE Select); coding-DNA position 1688, C replaced by T.
Protein change: p.Ala563Val; replaces alanine 563 with valine.
Molecular consequence: missense variant.
Genome position (GRCh38, 1-based): chr16:1,568,299, G>A on the plus strand (C>T on the coding strand, the complement: IFT140 is on the minus strand). VCF-style: chr16-1568299-G-A. GRCh37 (hg19) VCF-style: chr16-1618300-G-A.
Other names: short protein forms A563V.
Identifiers: ClinVar variation 1525810 (VCV001525810.6), dbSNP rs968524691, ClinGen allele CA276662773.